The following is an entry in ClinVar:

ClinVar aggregate classification (germline): Uncertain significance (1 of 4 stars; one submission).

Submission:

Labcorp Genetics (formerly Invitae), Labcorp
Classification: Uncertain significance. Last evaluated: 2022-03-24. Review status: criteria provided, single submitter. Criteria: Invitae Variant Classification Sherloc (09022015). Collection method: clinical testing. Allele origin: germline.
Comment: This variant is not present in population databases (gnomAD no frequency). This sequence change replaces serine, which is neutral and polar, with phenylalanine, which is neutral and non-polar, at codon 668 of the LAMC3 protein (p.Ser668Phe). In summary, the available evidence is currently insufficient to determine the role of this variant in disease. Therefore, it has been classified as a Variant of Uncertain Significance. Algorithms developed to predict the effect of missense changes on protein structure and function are either unavailable or do not agree on the potential impact of this missense change (SIFT: "Deleterious"; PolyPhen-2: "Possibly Damaging"; Align-GVGD: "Class C15"). This variant has not been reported in the literature in individuals affected with LAMC3-related conditions.

NM_006059.4(LAMC3):c.2003C>T (p.Ser668Phe)

Gene: LAMC3 (laminin subunit gamma 3; plus strand). Cytogenetic location: 9q34.12.
Variant type: single nucleotide variant.
Coding change: c.2003C>T on transcript NM_006059.4 (MANE Select); coding-DNA position 2003, C replaced by T.
Protein change: p.Ser668Phe; replaces serine 668 with phenylalanine.
Molecular consequence: missense variant.
Genome position (GRCh38, 1-based): chr9:131,056,992, C>T. VCF-style: chr9-131056992-C-T. GRCh37 (hg19) VCF-style: chr9-133932379-C-T.
Other names: short protein forms S668F.
Identifiers: ClinVar variation 2420297 (VCV002420297.6), dbSNP rs781470104, ClinGen allele CA375265650.